The following is an entry in ClinVar:

NM_021969.3(NR0B2):c.738C>T (p.Ile246=)

Genes: NR0B2 (nuclear receptor subfamily 0 group B member 2; minus strand), NUDC (nuclear distribution C, dynein complex regulator; plus strand). Cytogenetic location: 1p36.11.
Variant type: single nucleotide variant.
Coding change: c.738C>T on transcript NM_021969.3 (MANE Select); coding-DNA position 738, C replaced by T.
Protein change: p.Ile246=; no amino-acid change (isoleucine 246 retained).
Molecular consequence: synonymous variant.
Genome position (GRCh38, 1-based): chr1:26,911,881, G>A on the plus strand (C>T on the coding strand, the complement: NR0B2 is on the minus strand). VCF-style: chr1-26911881-G-A. GRCh37 (hg19) VCF-style: chr1-27238372-G-A.
Identifiers: ClinVar variation 4990903 (VCV004990903.1).

ClinVar aggregate classification (germline): Likely benign (1 of 4 stars; one submission).

Conditions:
NR0B2-related disorder. Also called: NR0B2-related condition.

gnomAD v4.1: 12 of 1,614,036 alleles (0.00074%); highest among the groups gnomAD compares: Non-Finnish European, 0.001%; no homozygotes.

Submission:

PreventionGenetics, part of Exact Sciences
Classification: Likely benign for NR0B2-related condition. Last evaluated: 2025-05-13. Review status: criteria provided, single submitter. Criteria: ACMG Guidelines, 2015. Collection method: clinical testing. Allele origin: germline.
Comment: This variant is classified as likely benign based on ACMG/AMP sequence variant interpretation guidelines (Richards et al. 2015 PMID: 25741868, with internal and published modifications).